The following is an entry in ClinVar:

ClinVar aggregate classification (germline): Pathogenic/Likely pathogenic. Review status: criteria provided, multiple submitters, no conflicts (2 of 4 stars). 5 submissions from 5 submitters: Pathogenic (2); Likely pathogenic (1). 2 of the submissions do not count toward it. Last evaluated 2025-02-12.

Conditions:
Lissencephaly due to LIS1 mutation (LIS1). Also called: PAFAH1B1-Associated Lissencephaly/Subcortical Band Heterotopia; PAFAH1B1-Related Lissencephaly/Subcortical Band Heterotopia; Isolated Lissencephaly Sequence. Identifiers: Orphanet 95232, MedGen C4749301, MONDO:0011830, OMIM 607432.

Submissions (5):

Labcorp Genetics (formerly Invitae), Labcorp
Classification: Likely pathogenic. Last evaluated: 2025-02-12. Review status: criteria provided, single submitter. Criteria: Invitae Variant Classification Sherloc (09022015). Collection method: clinical testing. Allele origin: germline.
Comment: This sequence change replaces glycine, which is neutral and non-polar, with serine, which is neutral and polar, at codon 162 of the PAFAH1B1 protein (p.Gly162Ser). This variant is not present in population databases (gnomAD no frequency). This missense change has been observed in individual(s) with lissencephaly (PMID: 1115846, 25140959). In at least one individual the variant was observed to be de novo. ClinVar contains an entry for this variant (Variation ID: 8079). An algorithm developed to predict the effect of missense changes on protein structure and function (PolyPhen-2) suggests that this variant is likely to be disruptive. Experimental studies have shown that this missense change affects PAFAH1B1 function (PMID: 12885786). In summary, the currently available evidence indicates that the variant is pathogenic, but additional data are needed to prove that conclusively. Therefore, this variant has been classified as Likely Pathogenic.

GeneDx
Classification: Pathogenic. Last evaluated: 2024-10-15. Review status: criteria provided, single submitter. Criteria: GeneDx Variant Classification Process June 2021. Collection method: clinical testing. Allele origin: germline. Affected: yes.
Comment: Published functional studies suggest a damaging effect, as G162S showed partial folding and cell interactions and was classified as intermediate stability (PMID: 12885786); Not observed at significant frequency in large population cohorts (gnomAD); In silico analysis supports that this missense variant has a deleterious effect on protein structure/function; This variant is associated with the following publications: (PMID: 11754098, 12668601, 11115846, 36100855, 12885786, 11502906, 25140959, 27959697, 26704558, 38364333)

Genetic Services Laboratory, University of Chicago
Classification: Pathogenic for Lissencephaly 1. Last evaluated: 2013-02-08. Review status: criteria provided, single submitter. Criteria: ACMG Guidelines, 2007. Collection method: clinical testing. Allele origin: germline. Inheritance: Autosomal dominant inheritance. Affected: yes.

Baylor Genetics
Classification: Likely pathogenic for Lissencephaly due to LIS1 mutation. Last evaluated: 2014-12-19. Review status: no assertion criteria provided. Collection method: clinical testing. Allele origin: de novo. Inheritance: Autosomal dominant inheritance. Affected: yes. Observed: 1 variant allele, 1 heterozygote. Not counted in ClinVar's aggregate classification.
Comment: The PAFAH1B1 variant has been reported in one patient with a mild LIS1 phenotype [PMID: 11115846, 12885786]. The FGD1 variant is predicted to cause a frameshift and is categorized as deleterious by ACMGG guidelines [PMID: 18414213].

OMIM
Classification: Pathogenic for LISSENCEPHALY 1. Last evaluated: 2001-08-14. Review status: no assertion criteria provided. Collection method: literature only. Allele origin: germline. Not counted in ClinVar's aggregate classification.

Literature cited by the submitters: PubMed 1115846 (cited by Labcorp Genetics (formerly Invitae), Labcorp); PubMed 25140959 (cited by Labcorp Genetics (formerly Invitae), Labcorp); PubMed 12885786 (cited by Labcorp Genetics (formerly Invitae), Labcorp and Baylor Genetics); PubMed 11115846 (cited by Baylor Genetics); PubMed 11502906 (cited by OMIM).

NM_000430.4(PAFAH1B1):c.484G>A (p.Gly162Ser)

Gene: PAFAH1B1 (platelet activating factor acetylhydrolase 1b regulatory subunit 1; plus strand). Cytogenetic location: 17p13.3.
Variant type: single nucleotide variant.
Coding change: c.484G>A on transcript NM_000430.4 (MANE Select); coding-DNA position 484, G replaced by A.
Protein change: p.Gly162Ser; replaces glycine 162 with serine.
Molecular consequence: missense variant.
Genome position (GRCh38, 1-based): chr17:2,670,247, G>A. VCF-style: chr17-2670247-G-A. GRCh37 (hg19) VCF-style: chr17-2573541-G-A.
Other names: short protein forms G162S.
Identifiers: ClinVar variation 8079 (VCV000008079.13), dbSNP rs121434487, ClinGen allele CA254316.
Genomic context (GRCh38, chr17:2,670,247, plus strand): 5'-TTTGAACGAACTCTTAAAGGACATACAGACTCTGTACAGGACATTTCATTCGACCACAGC[G>A]GCAAGCTTCTGGCTTCCTGTTCTGCAGATATGACCATTAAACTATGGGATTTTCAGGGCT-3'
Protein context (NP_000421.1, residues 152-172): SVQDISFDHS[Gly162Ser]KLLASCSADM